The following is an entry in ClinVar:

ClinVar aggregate classification (germline): Uncertain significance. Review status: criteria provided, multiple submitters, no conflicts (2 of 4 stars). 2 submissions from 2 submitters: Uncertain significance (2). Last evaluated 2025-01-09.

Conditions:
Inborn genetic diseases. Identifiers: MedGen C0950123, MeSH D030342.

Submissions (2):

Ambry Genetics
Classification: Uncertain significance for Inborn genetic diseases. Last evaluated: 2025-01-09. Review status: criteria provided, single submitter. Criteria: Ambry Variant Classification Scheme 2023. Collection method: clinical testing. Allele origin: germline.
Comment: The p.F885L variant (also known as c.2653T>C), located in coding exon 1 of the SAMD9 gene, results from a T to C substitution at nucleotide position 2653. The phenylalanine at codon 885 is replaced by leucine, an amino acid with highly similar properties. This amino acid position is conserved. In addition, the in silico prediction for this alteration is inconclusive. Based on the available evidence, the clinical significance of this variant remains unclear.

Labcorp Genetics (formerly Invitae), Labcorp
Classification: Uncertain significance. Last evaluated: 2024-02-17. Review status: criteria provided, single submitter. Criteria: Invitae Variant Classification Sherloc (09022015). Collection method: clinical testing. Allele origin: germline.
Comment: This sequence change replaces phenylalanine, which is neutral and non-polar, with leucine, which is neutral and non-polar, at codon 885 of the SAMD9 protein (p.Phe885Leu). This variant is not present in population databases (gnomAD no frequency). This variant has not been reported in the literature in individuals affected with SAMD9-related conditions. Advanced modeling of protein sequence and biophysical properties (such as structural, functional, and spatial information, amino acid conservation, physicochemical variation, residue mobility, and thermodynamic stability) has been performed at Invitae for this missense variant, however the output from this modeling did not meet the statistical confidence thresholds required to predict the impact of this variant on SAMD9 protein function. In summary, the available evidence is currently insufficient to determine the role of this variant in disease. Therefore, it has been classified as a Variant of Uncertain Significance.

NM_017654.4(SAMD9):c.2653T>C (p.Phe885Leu)

Gene: SAMD9 (sterile alpha motif domain containing 9; minus strand). Cytogenetic location: 7q21.2.
Variant type: single nucleotide variant.
Coding change: c.2653T>C on transcript NM_017654.4 (MANE Select); coding-DNA position 2653, T replaced by C.
Protein change: p.Phe885Leu; replaces phenylalanine 885 with leucine.
Molecular consequence: missense variant.
Genome position (GRCh38, 1-based): chr7:93,103,445, A>G on the plus strand (T>C on the coding strand, the complement: SAMD9 is on the minus strand). VCF-style: chr7-93103445-A-G. GRCh37 (hg19) VCF-style: chr7-92732758-A-G.
Other names: c.2653T>C, p.Phe885Leu (NM_001193307.2); c.2653T>C (NM_017654.3); short protein forms F885L.
Identifiers: ClinVar variation 3611717 (VCV003611717.3).